The following is an entry in ClinVar:

ClinVar aggregate classification (germline): Uncertain significance (1 of 4 stars; one submission).

Conditions:
Multiple endocrine neoplasia, type 1 (MEN1). Also called: MEN I; WERMER SYNDROME; Endocrine adenomatosis multiple; MEN 1; MEA I. Identifiers: Orphanet 652, MedGen C0025267, MeSH D018761, MONDO:0007540, OMIM 131100.

Submission:

Labcorp Genetics (formerly Invitae), Labcorp
Classification: Uncertain significance for Multiple endocrine neoplasia, type 1. Last evaluated: 2022-07-29. Review status: criteria provided, single submitter. Criteria: Invitae Variant Classification Sherloc (09022015). Collection method: clinical testing. Allele origin: germline.
Comment: This sequence change replaces alanine, which is neutral and non-polar, with valine, which is neutral and non-polar, at codon 526 of the MEN1 protein (p.Ala526Val). This variant is not present in population databases (gnomAD no frequency). This variant has not been reported in the literature in individuals affected with MEN1-related conditions. Advanced modeling of protein sequence and biophysical properties (such as structural, functional, and spatial information, amino acid conservation, physicochemical variation, residue mobility, and thermodynamic stability) performed at Invitae indicates that this missense variant is not expected to disrupt MEN1 protein function. In summary, the available evidence is currently insufficient to determine the role of this variant in disease. Therefore, it has been classified as a Variant of Uncertain Significance.

NM_001370259.2(MEN1):c.1577C>T (p.Ala526Val)

Gene: MEN1 (menin 1; minus strand). Cytogenetic location: 11q13.1.
Variant type: single nucleotide variant.
Coding change: c.1577C>T on transcript NM_001370259.2 (MANE Select); coding-DNA position 1577, C replaced by T.
Protein change: p.Ala526Val; replaces alanine 526 with valine.
Molecular consequence: missense variant.
Genome position (GRCh38, 1-based): chr11:64,804,590, G>A on the plus strand (C>T on the coding strand, the complement: MEN1 is on the minus strand). VCF-style: chr11-64804590-G-A. GRCh37 (hg19) VCF-style: chr11-64572062-G-A.
Other names: c.1592C>T, p.Ala531Val (NM_000244.4, NM_001407145.1, NM_130800.3 and 4 more transcripts); c.1703C>T, p.Ala568Val (NM_001370251.2, NM_001407142.1, NM_001407143.1 and 1 more transcripts); c.1577C>T, p.Ala526Val (NM_001370260.2, NM_001370261.2, NM_001407146.1 and 2 more transcripts); c.1472C>T, p.Ala491Val (NM_001370262.2, NM_001370263.2, NM_001407148.1 and 1 more transcripts); c.1718C>T, p.Ala573Val (NM_001407150.1); c.1598C>T, p.Ala533Val (NM_001407151.1); c.1412C>T, p.Ala471Val (NM_001407152.1); short protein forms A471V, A491V, A526V, A531V, A533V, A568V, A573V.
Identifiers: ClinVar variation 1714158 (VCV001714158.5), dbSNP rs2136084234, ClinGen allele CA381178374.